The following is an entry in ClinVar:

ClinVar aggregate classification (germline): Uncertain significance (1 of 4 stars; one submission).

Submission:

Labcorp Genetics (formerly Invitae), Labcorp
Classification: Uncertain significance. Last evaluated: 2022-08-16. Review status: criteria provided, single submitter. Criteria: Invitae Variant Classification Sherloc (09022015). Collection method: clinical testing. Allele origin: germline.
Comment: In summary, the available evidence is currently insufficient to determine the role of this variant in disease. Therefore, it has been classified as a Variant of Uncertain Significance. ClinVar contains an entry for this variant (Variation ID: 1476046). This variant has not been reported in the literature in individuals affected with SPECC1L-related conditions. This variant is not present in population databases (gnomAD no frequency). This sequence change creates a premature translational stop signal (p.Trp746*) in the SPECC1L gene. It is expected to result in an absent or disrupted protein product. However, the current clinical and genetic evidence is not sufficient to establish whether loss-of-function variants in SPECC1L cause disease.

NM_015330.6(SPECC1L):c.2238G>A (p.Trp746Ter)

Genes: SPECC1L (sperm antigen with calponin homology and coiled-coil domains 1 like; plus strand), SPECC1L-ADORA2A (SPECC1L-ADORA2A readthrough (NMD candidate); plus strand). Cytogenetic location: 22q11.23.
Variant type: single nucleotide variant.
Coding change: c.2238G>A on transcript NM_015330.6 (MANE Select); coding-DNA position 2238, G replaced by A.
Protein change: p.Trp746Ter; replaces tryptophan 746 with a stop codon.
Molecular consequence: nonsense. On other transcripts: non-coding transcript variant (1).
Genome position (GRCh38, 1-based): chr22:24,330,273, G>A. VCF-style: chr22-24330273-G-A. GRCh37 (hg19) VCF-style: chr22-24726241-G-A.
Other names: c.2238G>A, p.Trp746Ter (NM_001145468.4, NM_001254732.3); short protein forms W746*.
Identifiers: ClinVar variation 1476046 (VCV001476046.6), dbSNP rs2146507625, ClinGen allele CA410974709.